The following is an entry in ClinVar:

ClinVar aggregate classification (germline): Uncertain significance (1 of 4 stars; one submission).

Allele frequency attached by ClinVar (database versions not stated): gnomAD exomes 0.00001.
gnomAD v4.1: 16 of 1,609,564 alleles (0.00099%); highest among the groups gnomAD compares: Non-Finnish European, 0.0014%; no homozygotes.

Submission:

Labcorp Genetics (formerly Invitae), Labcorp
Classification: Uncertain significance. Last evaluated: 2021-04-14. Review status: criteria provided, single submitter. Criteria: Invitae Variant Classification Sherloc (09022015). Collection method: clinical testing. Allele origin: germline.
Comment: This sequence change replaces valine with alanine at codon 497 of the EXOC6B protein (p.Val497Ala). The valine residue is moderately conserved and there is a small physicochemical difference between valine and alanine. This variant is not present in population databases (ExAC no frequency). This variant has not been reported in the literature in individuals with EXOC6B-related conditions. Experimental studies and prediction algorithms are not available or were not evaluated, and the functional significance of this variant is currently unknown. In summary, the available evidence is currently insufficient to determine the role of this variant in disease. Therefore, it has been classified as a Variant of Uncertain Significance.

NM_015189.3(EXOC6B):c.1490T>C (p.Val497Ala)

Gene: EXOC6B (exocyst complex component 6B; minus strand). Cytogenetic location: 2p13.2.
Variant type: single nucleotide variant.
Coding change: c.1490T>C on transcript NM_015189.3 (MANE Select); coding-DNA position 1490, T replaced by C.
Protein change: p.Val497Ala; replaces valine 497 with alanine.
Molecular consequence: missense variant. On other transcripts: non-coding transcript variant (2).
Genome position (GRCh38, 1-based): chr2:72,495,493, A>G on the plus strand (T>C on the coding strand, the complement: EXOC6B is on the minus strand). VCF-style: chr2-72495493-A-G. GRCh37 (hg19) VCF-style: chr2-72722622-A-G.
Other names: c.1490T>C, p.Val497Ala (NM_001321729.2, NM_001321730.2, NM_001321731.2 and 1 more transcripts); c.1151T>C, p.Val384Ala (NM_001321734.2); short protein forms V384A, V497A.
Identifiers: ClinVar variation 1489863 (VCV001489863.6), dbSNP rs1409482292, ClinGen allele CA347429325.